The following is an entry in ClinVar:

NM_032043.3(BRIP1):c.1859T>C (p.Met620Thr)

Gene: BRIP1 (BRCA1 interacting DNA helicase 1; minus strand). Cytogenetic location: 17q23.2.
Variant type: single nucleotide variant.
Coding change: c.1859T>C on transcript NM_032043.3 (MANE Select); coding-DNA position 1859, T replaced by C.
Protein change: p.Met620Thr; replaces methionine 620 with threonine.
Molecular consequence: missense variant.
Genome position (GRCh38, 1-based): chr17:61,780,337, A>G on the plus strand (T>C on the coding strand, the complement: BRIP1 is on the minus strand). VCF-style: chr17-61780337-A-G. GRCh37 (hg19) VCF-style: chr17-59857698-A-G.
Other names: short protein forms M620T.
Identifiers: ClinVar variation 927041 (VCV000927041.17), dbSNP rs1555602185, ClinGen allele CA400480102.

ClinVar aggregate classification (germline): Uncertain significance. Review status: criteria provided, multiple submitters, no conflicts (2 of 4 stars). 4 submissions from 4 submitters: Uncertain significance (4). Last evaluated 2025-12-31.

Conditions:
Fanconi anemia complementation group J. Also called: BRIP1-Related Fanconi Anemia. Identifiers: Orphanet 84, MedGen C1836860, MONDO:0012187, OMIM 609054.
Familial cancer of breast. Also called: BREAST CANCER, FAMILIAL; hereditary breast carcinoma; Hereditary breast cancer. Identifiers: Orphanet 227535, MedGen C0346153, MONDO:0016419, OMIM 114480. Disease mechanism: loss of function.
Hereditary cancer-predisposing syndrome. Also called: Tumor predisposition; Hereditary neoplastic syndrome; Neoplastic Syndromes, Hereditary; Hereditary Cancer Syndrome. Identifiers: Orphanet 140162, MedGen C0027672, MeSH D009386, MONDO:0015356.

Allele frequency attached by ClinVar (database versions not stated): gnomAD exomes below 0.00001.
gnomAD v4.1: 2 of 1,610,466 alleles (0.00012%); highest among the groups gnomAD compares: African/African-American, 0.0013%; no homozygotes.

Submissions (4):

Labcorp Genetics (formerly Invitae), Labcorp
Classification: Uncertain significance for Familial cancer of breast; Fanconi anemia complementation group J. Last evaluated: 2025-12-31. Review status: criteria provided, single submitter. Criteria: Invitae Variant Classification Sherloc (09022015). Collection method: clinical testing. Allele origin: germline.
Comment: This sequence change replaces methionine, which is neutral and non-polar, with threonine, which is neutral and polar, at codon 620 of the BRIP1 protein (p.Met620Thr). This variant is not present in population databases (gnomAD no frequency). This variant has not been reported in the literature in individuals affected with BRIP1-related conditions. ClinVar contains an entry for this variant (Variation ID: 927041). Invitae Evidence Modeling of protein sequence and biophysical properties (such as structural, functional, and spatial information, amino acid conservation, physicochemical variation, residue mobility, and thermodynamic stability) has been performed for this missense variant. However, the output from this modeling did not meet the statistical confidence thresholds required to predict the impact of this variant on BRIP1 protein function. In summary, the available evidence is currently insufficient to determine the role of this variant in disease. Therefore, it has been classified as a Variant of Uncertain Significance.

Quest Diagnostics Nichols Institute San Juan Capistrano
Classification: Uncertain significance. Last evaluated: 2024-08-13. Review status: criteria provided, single submitter. Criteria: Quest Diagnostics criteria. Collection method: clinical testing. Allele origin: unknown.
Comment: The BRIP1 c.1859T>C (p.Met620Thr) variant has not been reported in individuals with BRIP1-related conditions in the published literature. It also has not been reported in large, multi-ethnic general populations (Genome Aggregation Database). Analysis of this variant using bioinformatics tools for the prediction of the effect of amino acid changes on protein structure and function yielded conflicting predictions that this variant is deleterious or benign. Based on the available information, we are unable to determine the clinical significance of this variant.

Color Diagnostics, LLC DBA Color Health
Classification: Uncertain significance for Hereditary cancer-predisposing syndrome. Last evaluated: 2023-12-04. Review status: criteria provided, single submitter. Criteria: ACMG Guidelines, 2015. Collection method: clinical testing. Allele origin: germline.
Comment: This missense variant replaces methionine with threonine at codon 620 of the BRIP1 protein. Computational prediction suggests that this variant may not impact protein structure and function (internally defined REVEL score threshold <= 0.5, PMID: 27666373). To our knowledge, functional studies have not been reported for this variant. This variant has not been reported in individuals affected with BRIP1-related disorders in the literature. This variant has not been identified in the general population by the Genome Aggregation Database (gnomAD). The available evidence is insufficient to determine the role of this variant in disease conclusively. Therefore, this variant is classified as a Variant of Uncertain Significance.

Ambry Genetics
Classification: Uncertain significance for Hereditary cancer-predisposing syndrome. Last evaluated: 2023-09-27. Review status: criteria provided, single submitter. Criteria: Ambry Variant Classification Scheme 2023. Collection method: clinical testing. Allele origin: germline.
Comment: The p.M620T variant (also known as c.1859T>C), located in coding exon 12 of the BRIP1 gene, results from a T to C substitution at nucleotide position 1859. The methionine at codon 620 is replaced by threonine, an amino acid with similar properties. This amino acid position is conserved. In addition, this alteration is predicted to be tolerated by in silico analysis. Since supporting evidence is limited at this time, the clinical significance of this alteration remains unclear.